The following is an entry in ClinVar:

ClinVar aggregate classification (germline): Likely benign. Review status: criteria provided, single submitter (1 of 4 stars). 2 submissions from 2 submitters: Likely benign (1). 1 of the submissions does not count toward it. Last evaluated 2025-01-21.

Conditions:
FSIP2-related disorder. Also called: FSIP2-related condition.

Allele frequency attached by ClinVar (database versions not stated): 1000 Genomes Project 30x 0.04388; 1000 Genomes Project 0.04393; gnomAD 0.06504; TOPMed 0.06684; ExAC 0.09979.
gnomAD v4.1: 134,926 of 1,508,520 alleles (8.9%); highest among the groups gnomAD compares: Middle Eastern, 15%; 6,979 homozygotes.

Submissions (2):

Ambry Genetics
Classification: Likely benign. Last evaluated: 2025-01-21. Review status: criteria provided, single submitter. Criteria: Ambry Variant Classification Scheme 2023. Collection method: clinical testing. Allele origin: germline.

PreventionGenetics, part of Exact Sciences
Classification: Benign for FSIP2-related condition. Last evaluated: 2019-10-28. Review status: no assertion criteria provided. Collection method: clinical testing. Allele origin: germline. Not counted in ClinVar's aggregate classification.
Comment: This variant is classified as benign based on ACMG/AMP sequence variant interpretation guidelines (Richards et al. 2015 PMID: 25741868, with internal and published modifications).

NM_173651.4(FSIP2):c.7321C>A (p.Gln2441Lys)

Genes: FSIP2 (fibrous sheath interacting protein 2; plus strand), FSIP2-AS1 (FSIP2 antisense RNA 1; minus strand). Cytogenetic location: 2q32.1.
Variant type: single nucleotide variant.
Coding change: c.7321C>A on transcript NM_173651.4 (MANE Select); coding-DNA position 7321, C replaced by A.
Protein change: p.Gln2441Lys; replaces glutamine 2441 with lysine.
Molecular consequence: missense variant.
Genome position (GRCh38, 1-based): chr2:185,794,457, C>A. VCF-style: chr2-185794457-C-A. GRCh37 (hg19) VCF-style: chr2-186659184-C-A.
Other names: c.7588C>A (NM_173651.2); short protein forms Q2441K.
Identifiers: ClinVar variation 3060483 (VCV003060483.3), dbSNP rs77937204, ClinGen allele CA2016784.